The following is an entry in ClinVar:

ClinVar aggregate classification (germline): Uncertain significance. Review status: criteria provided, multiple submitters, no conflicts (2 of 4 stars). 2 submissions from 2 submitters: Uncertain significance (2). Last evaluated 2022-04-14.

Conditions:
Muscular dystrophy-dystroglycanopathy (congenital with brain and eye anomalies), type A, 7. Also called: WALKER-WARBURG SYNDROME OR MUSCLE-EYE-BRAIN DISEASE, ISPD-RELATED; Congenital muscular dystrophy-dystroglycanopathy with brain and eye anomalies, type A7. Identifiers: Orphanet 899, MedGen C3553330, MONDO:0013835, OMIM 614643.
Autosomal recessive limb-girdle muscular dystrophy type 2U. Also called: Muscular dystrophy-dystroglycanopathy (limb-girdle), type c, 7; MUSCULAR DYSTROPHY, LIMB-GIRDLE, TYPE 2U. Identifiers: Orphanet 352479, MedGen C5190987, MONDO:0014474, OMIM 616052.

Allele frequency attached by ClinVar (database versions not stated): gnomAD 0.00001; gnomAD exomes 0.00001; ExAC 0.00002; TOPMed 0.00003.
gnomAD v4.1: 3 of 1,601,292 alleles (0.00019%); highest among the groups gnomAD compares: Admixed American, 0.0034%; no homozygotes.

Submissions (2):

GeneDx
Classification: Uncertain significance. Last evaluated: 2022-04-14. Review status: criteria provided, single submitter. Criteria: GeneDx Variant Classification Process June 2021. Collection method: clinical testing. Allele origin: germline. Affected: yes.
Comment: Not observed at significant frequency in large population cohorts (gnomAD); In silico analysis supports that this missense variant does not alter protein structure/function; Has not been previously published as pathogenic or benign to our knowledge; This variant is associated with the following publications: (PMID: 26687144)

Labcorp Genetics (formerly Invitae), Labcorp
Classification: Uncertain significance for Muscular dystrophy-dystroglycanopathy (congenital with brain and eye anomalies), type A, 7; Autosomal recessive limb-girdle muscular dystrophy type 2U. Last evaluated: 2021-08-14. Review status: criteria provided, single submitter. Criteria: Invitae Variant Classification Sherloc (09022015). Collection method: clinical testing. Allele origin: germline.
Comment: This sequence change replaces glutamine with lysine at codon 349 of the ISPD protein (p.Gln349Lys). The glutamine residue is weakly conserved and there is a small physicochemical difference between glutamine and lysine. This variant is present in population databases (rs774852908, ExAC 0.03%). This variant has not been reported in the literature in individuals affected with ISPD-related conditions. Algorithms developed to predict the effect of missense changes on protein structure and function (SIFT, PolyPhen-2, Align-GVGD) all suggest that this variant is likely to be tolerated. In summary, the available evidence is currently insufficient to determine the role of this variant in disease. Therefore, it has been classified as a Variant of Uncertain Significance.

NM_001101426.4(CRPPA):c.1045C>A (p.Gln349Lys)

Genes: CRPPA-AS1 (CRPPA antisense RNA 1; plus strand), CRPPA (CDP-L-ribitol pyrophosphorylase A; minus strand). Cytogenetic location: 7p21.2.
Variant type: single nucleotide variant.
Coding change: c.1045C>A on transcript NM_001101426.4 (MANE Select); coding-DNA position 1045, C replaced by A.
Protein change: p.Gln349Lys; replaces glutamine 349 with lysine.
Molecular consequence: missense variant. On other transcripts: non-coding transcript variant (1).
Genome position (GRCh38, 1-based): chr7:16,258,464, G>T on the plus strand (C>A on the coding strand, the complement: CRPPA is on the minus strand). VCF-style: chr7-16258464-G-T. GRCh37 (hg19) VCF-style: chr7-16298089-G-T.
Other names: c.895C>A, p.Gln299Lys (NM_001101417.4); c.940C>A, p.Gln314Lys (NM_001368197.1); short protein forms Q299K, Q314K, Q349K.
Identifiers: ClinVar variation 1680756 (VCV001680756.6), dbSNP rs774852908, ClinGen allele CA4169398.